The following is an entry in ClinVar:

ClinVar aggregate classification (germline): Uncertain significance (1 of 4 stars; one submission).

Submission:

Ambry Genetics
Classification: Uncertain significance. Last evaluated: 2024-02-06. Review status: criteria provided, single submitter. Criteria: Ambry Variant Classification Scheme 2023. Collection method: clinical testing. Allele origin: germline.
Comment: The c.1546delC variant, located in coding exon 9 of the GALNT12 gene, results from a deletion of one nucleotide at nucleotide position 1546, causing a translational frameshift with a predicted alternate stop codon (p.I517Sfs*92). This alteration is expected to result in loss of function by premature protein truncation or nonsense-mediated mRNA decay. The evidence for this gene-disease relationship is limited; therefore, the clinical significance of this alteration is unclear.

NM_024642.5(GALNT12):c.1546del (p.Ile517fs)

Gene: GALNT12 (polypeptide N-acetylgalactosaminyltransferase 12; plus strand). Cytogenetic location: 9q22.33.
Variant type: Deletion.
Coding change: c.1546del on transcript NM_024642.5 (MANE Select); coding-DNA position 1546, one base deleted (C; older notation c.1546delC).
Protein change: p.Ile517fs; shifts the reading frame from isoleucine 517.
Molecular consequence: frameshift variant.
Genome position (GRCh38, 1-based): chr9:98,846,064, C deleted; the last of 3 consecutive C bases (chr9:98,846,062-98,846,064); deleting any one gives the same sequence. VCF-style (leftmost placement, unchanged base first): chr9-98846061-AC-A. GRCh37 (hg19) VCF-style: chr9-101608343-AC-A.
Other names: short protein forms I517fs.
Identifiers: ClinVar variation 3227928 (VCV003227928.1), dbSNP rs2490557716, ClinGen allele CA2690951030.